The following is an entry in ClinVar:

ClinVar aggregate classification (germline): Likely benign. Review status: criteria provided, multiple submitters, no conflicts (2 of 4 stars). 2 submissions from 2 submitters: Likely benign (2). Last evaluated 2026-04-08.

Conditions:
COL2A1-related disorder. Also called: COL2A1-related condition; COL2A1-related disorders.

Allele frequency attached by ClinVar (database versions not stated): gnomAD 0.00004 and 0.00005; gnomAD exomes 0.00004 and 0.00001; ExAC 0.00005; TOPMed 0.00005; 1000 Genomes Project 0.00020; 1000 Genomes Project 30x 0.00031.
gnomAD v4.1: 24 of 1,613,782 alleles (0.0015%); highest among the groups gnomAD compares: African/African-American, 0.012%; no homozygotes.

Submissions (2):

PreventionGenetics, part of Exact Sciences
Classification: Likely benign for COL2A1-related condition. Last evaluated: 2026-04-08. Review status: criteria provided, single submitter. Criteria: ACMG Guidelines, 2015. Collection method: clinical testing. Allele origin: germline.
Comment: This variant is classified as likely benign based on ACMG/AMP sequence variant interpretation guidelines (Richards et al. 2015 PMID: 25741868, with internal and published modifications).

Labcorp Genetics (formerly Invitae), Labcorp
Classification: Likely benign. Last evaluated: 2025-07-02. Review status: criteria provided, single submitter. Criteria: Invitae Variant Classification Sherloc (09022015). Collection method: clinical testing. Allele origin: germline.

NM_001844.5(COL2A1):c.192C>T (p.Cys64=)

Gene: COL2A1 (collagen type II alpha 1 chain; minus strand). Cytogenetic location: 12q13.11.
Variant type: single nucleotide variant.
Coding change: c.192C>T on transcript NM_001844.5 (MANE Select); coding-DNA position 192, C replaced by T.
Protein change: p.Cys64=; no amino-acid change (cysteine 64 retained).
Molecular consequence: synonymous variant. On other transcripts: intron variant (1).
Genome position (GRCh38, 1-based): chr12:48,000,019, G>A on the plus strand (C>T on the coding strand, the complement: COL2A1 is on the minus strand). VCF-style: chr12-48000019-G-A. GRCh37 (hg19) VCF-style: chr12-48393802-G-A.
Other names: c.192C>T (NM_001844.4); c.86-1588C>T (NM_033150.3).
Identifiers: ClinVar variation 1638940 (VCV001638940.9), dbSNP rs121912897, ClinGen allele CA6536077.